The following is an entry in ClinVar:

NM_000492.4(CFTR):c.1210-11_1210-10insG

Genes: CFTR (CF transmembrane conductance regulator; plus strand), CFTR-AS1 (CFTR antisense RNA 1; minus strand). Cytogenetic location: 7q31.2.
Variant type: Insertion.
Coding change: c.1210-11_1210-10insG on transcript NM_000492.4 (MANE Select); 11 bases into the intron before coding-DNA position 1210 through 10 bases into the intron before coding-DNA position 1210, G inserted.
Molecular consequence: intron variant.
Genome position: GRCh38 VCF-style: chr7-117548630-T-TG. GRCh37 (hg19) VCF-style: chr7-117188684-T-TG.
Identifiers: ClinVar variation 802357 (VCV000802357.12), dbSNP rs551227135, ClinGen allele CA4450952.

ClinVar aggregate classification (germline): Conflicting classifications of pathogenicity. Review status: criteria provided, conflicting classifications (1 of 4 stars). 6 submissions from 6 submitters: Pathogenic (3); Uncertain significance (3). Last evaluated 2025-10-21.

Conditions:
Cystic fibrosis (CF). Also called: MUCOVISCIDOSIS. Identifiers: Orphanet 586, MedGen C0010674, MONDO:0009061, OMIM 219700. Disease mechanism: loss of function.
Cystic fibrosis diagnostic test.
Congenital bilateral aplasia of vas deferens from CFTR mutation (CBAVD). Identifiers: Orphanet 48, MedGen C0403814, MONDO:0010178, OMIM 277180. Disease mechanism: loss of function.

Allele frequency attached by ClinVar (database versions not stated): ExAC 0.00005; gnomAD exomes 0.00006; gnomAD 0.00072 and 0.00099; 1000 Genomes Project 0.00202.

Submissions (6):

NHS Central & South Genomic Laboratory Hub
Classification: Pathogenic for Cystic fibrosis diagnostic test. Last evaluated: 2025-10-21. Review status: criteria provided, single submitter. Criteria: ACMG Guidelines, 2015. Collection method: clinical testing. Allele origin: germline. Affected: yes.

Genomic Medicine Center of Excellence, King Faisal Specialist Hospital and Research Centre
Classification: Uncertain significance for Cystic fibrosis. Last evaluated: 2025-09-10. Review status: criteria provided, single submitter. Criteria: ACMG Guidelines, 2015. Collection method: clinical testing. Allele origin: germline.

Ambry Genetics
Classification: Uncertain significance for Cystic fibrosis. Last evaluated: 2024-12-02. Review status: criteria provided, single submitter. Criteria: Ambry Variant Classification Scheme 2023. Collection method: clinical testing. Allele origin: germline.
Comment: The 6T variant, located in intron 9 of the CFTR gene, is an alteration within the poly-thymidine tract. Typically the poly-T tract consists of 5, 7, or 9 thymidine repeats. The efficiency of exon 10 splicing consistently decreases with shorter polythymidine tracts, resulting in a lower than normal level of fulllength CFTR protein; the effect of 5T on exon 10 splicing is also influenced by the adjacent TG tract, which usually consists of 11, 12, or 13 TG repeats (Sosnay PR et al. Pediatr. Clin. North Am., 2016 08;63:585-98). A similar variant, (TG)13-6T variant, has been identified in trans with a pathogenic CFTR mutation in males with congenital bilateral absence of the vas deferens (CBAVD) (Dayanga&ccedil; D et al. Hum. Reprod., 2004 May;19:1094-100; Viel M et al. Eur. J. Hum. Genet., 2005 Feb;13:136-8); however, the clinical contribution of this variant to the development of CFTR-related disorders is uncertain. Based on available evidence to date, the clinical significance of this alteration remains unclear.

Department of Pathology and Laboratory Medicine, Sinai Health System
Classification: Uncertain significance for cystic fibrosis. Last evaluated: 2023-08-17. Review status: criteria provided, single submitter. Criteria: ACMG Guidelines, 2015. Collection method: research. Allele origin: germline.

Mendelics
Classification: Pathogenic for Cystic fibrosis. Last evaluated: 2019-05-28. Review status: criteria provided, single submitter. Criteria: Mendelics Assertion Criteria 2017. Collection method: clinical testing. Allele origin: unknown.

Juno Genomics, Hangzhou Juno Genomics, Inc
Classification: Pathogenic for Congenital bilateral aplasia of vas deferens from CFTR mutation; Cystic fibrosis. Review status: criteria provided, single submitter. Criteria: ACMG Guidelines, 2015. Collection method: clinical testing. Allele origin: germline.
Comment: Null variant in a gene where loss of function (LOF) is a known mechanism of disease.;For recessive disorders, detected in trans with a pathogenic variant.;The prevalence of the variant in affected individuals is significantly increased compared to the prevalence in controls.